The following is an entry in ClinVar:

NM_002485.5(NBN):c.1030C>T (p.Gln344Ter)

Gene: NBN (nibrin; minus strand). Cytogenetic location: 8q21.3.
Variant type: single nucleotide variant.
Coding change: c.1030C>T on transcript NM_002485.5 (MANE Select); coding-DNA position 1030, C replaced by T.
Protein change: p.Gln344Ter; replaces glutamine 344 with a stop codon.
Molecular consequence: nonsense.
Genome position (GRCh38, 1-based): chr8:89,958,819, G>A on the plus strand (C>T on the coding strand, the complement: NBN is on the minus strand). VCF-style: chr8-89958819-G-A. GRCh37 (hg19) VCF-style: chr8-90971047-G-A.
Other names: c.784C>T, p.Gln262Ter (NM_001024688.3); short protein forms Q344*, Q262*.
Identifiers: ClinVar variation 190229 (VCV000190229.41), dbSNP rs767215758, ClinGen allele CA274767.

ClinVar aggregate classification (germline): Pathogenic/Likely pathogenic. Review status: criteria provided, multiple submitters, no conflicts (2 of 4 stars). 12 submissions from 12 submitters: Pathogenic (9); Likely pathogenic (1). 2 of the submissions do not count toward it. Last evaluated 2025-12-22.

Conditions:
NBN-related disorder. Also called: NBN-related condition.
Aplastic anemia. Identifiers: Orphanet 182040, Orphanet 88, MedGen C0002874, MONDO:0015909, OMIM 609135, HP:0001915.
Microcephaly, normal intelligence and immunodeficiency (NBS). Also called: SEEMANOVA SYNDROME II; Nijmegen breakage syndrome; Microcephaly with normal intelligence immunodeficiency and lymphoreticular malignancies; Nonsyndromal microcephaly autosomal recessive with normal intelligence; Seemanova syndrome 2; BERLIN BREAKAGE SYNDROME. Identifiers: Orphanet 647, MedGen C0398791, MONDO:0009623, OMIM 251260.
Acute lymphoid leukemia (ALL). Also called: Acute lymphoblastic leukemia; Acute lymphocytic leukemia; Leukemia, acute lymphoblastic, somatic; Lymphoblastic leukemia. Identifiers: Orphanet 513, MedGen C0023449, MONDO:0004967, OMIM 613065, HP:0006721.
Hereditary cancer-predisposing syndrome. Also called: Tumor predisposition; Neoplastic Syndromes, Hereditary; Hereditary neoplastic syndrome; Hereditary Cancer Syndrome. Identifiers: Orphanet 140162, MedGen C0027672, MeSH D009386, MONDO:0015356.

Allele frequency attached by ClinVar (database versions not stated): gnomAD exomes below 0.00001 and 0.00001; TOPMed below 0.00001; ExAC 0.00001.
gnomAD v4.1: 2 of 1,613,778 alleles (0.00012%); highest among the groups gnomAD compares: Admixed American, 0.0033%; no homozygotes.

Submissions (12):

Labcorp Genetics (formerly Invitae), Labcorp
Classification: Pathogenic for Microcephaly, normal intelligence and immunodeficiency. Last evaluated: 2025-12-22. Review status: criteria provided, single submitter. Criteria: Invitae Variant Classification Sherloc (09022015). Collection method: clinical testing. Allele origin: germline.
Comment: This sequence change creates a premature translational stop signal (p.Gln344*) in the NBN gene. It is expected to result in an absent or disrupted protein product. Loss-of-function variants in NBN are known to be pathogenic (PMID: 9590180, 16415040). This variant is present in population databases (rs767215758, gnomAD 0.006%). This premature translational stop signal has been observed in individual(s) with Nijmegen breakage syndrome (PMID: 25677497). In at least one individual the data is consistent with being in trans (on the opposite chromosome) from a pathogenic variant. ClinVar contains an entry for this variant (Variation ID: 190229). For these reasons, this variant has been classified as Pathogenic.

Natera, Inc.
Classification: Pathogenic for Nijmegen breakage syndrome. Last evaluated: 2024-10-16. Review status: criteria provided, single submitter. Criteria: Natera Variant Classification Schema (03/2026). Collection method: clinical testing. Allele origin: germline.
Comment: The c.1030C>T variant in NBN is a nonsense variant predicted to introduce a stop codon at amino acid 344. This variant is expected to result in nonsense mediated decay, truncation, or a dysfunctional protein product. This variant is rare in the general population with a frequency below the threshold expected for the associated phenotype(s). This variant has been observed in one or more individuals affected with the associated recessive disease, as either homozygous or compound heterozygous with a second variant (PMID: 25677497). Given the available evidence, this variant is classified as Pathogenic.

Baylor Genetics
Classification: Pathogenic for Aplastic anemia. Last evaluated: 2024-02-19. Review status: criteria provided, single submitter. Criteria: ACMG Guidelines, 2015. Collection method: clinical testing. Allele origin: unknown.

Women's Health and Genetics/Laboratory Corporation of America, LabCorp
Classification: Pathogenic for Microcephaly, normal intelligence and immunodeficiency. Last evaluated: 2022-05-27. Review status: criteria provided, single submitter. Criteria: LabCorp Variant Classification Summary - May 2015. Collection method: clinical testing. Allele origin: germline.
Comment: Variant summary: NBN c.1030C>T (p.Gln344X) results in a premature termination codon, predicted to cause a truncation of the encoded protein or absence of the protein due to nonsense mediated decay, which are commonly known mechanisms for disease. Truncations downstream of this position have been classified as pathogenic by our laboratory. The variant allele was found at a frequency of 8e-06 in 251386 control chromosomes (gnomAD). The variant, c.1030C>T, has been reported in the literature in the compound heterozygous state in an individual affected with Nijmegen Breakage Syndrome (Patel_2015). Peripheral blood lymphocytes from this patient showed no detectable nibrin protein by immunoblot and were radiosensitive compared to normal controls (Patel_2015). Nine clinical diagnostic laboratories have submitted clinical-significance assessments for this variant to ClinVar after 2014 without evidence for independent evaluation. Eight laboratories classified the variant as pathogenic, and one as likely pathogenic. Based on the evidence outlined above, the variant was classified as pathogenic.

Ambry Genetics
Classification: Pathogenic for Hereditary cancer-predisposing syndrome. Last evaluated: 2021-11-18. Review status: criteria provided, single submitter. Criteria: Ambry Variant Classification Scheme 2023. Collection method: clinical testing. Allele origin: germline.
Comment: The p.Q344* pathogenic mutation (also known as c.1030C>T), located in coding exon 9 of the NBN gene, results from a C to T substitution at nucleotide position 1030. This changes the amino acid from a glutamine to a stop codon within coding exon 9. This mutation has been reported in trans with a second NBN mutation in an individual with Nijmegen breakage syndrome (Patel JP et al. J Clin Immunol, 2015 Feb;35:227-33). In addition to the clinical data presented in the literature, this alteration is expected to result in loss of function by premature protein truncation or nonsense-mediated mRNA decay. As such, this alteration is interpreted as a disease-causing mutation.

GeneDx
Classification: Pathogenic. Last evaluated: 2021-11-11. Review status: criteria provided, single submitter. Criteria: GeneDx Variant Classification Process June 2021. Collection method: clinical testing. Allele origin: germline. Affected: yes.
Comment: Nonsense variant predicted to result in protein truncation or nonsense mediated decay in a gene for which loss-of-function is a known mechanism of disease; Not observed at a significant frequency in large population cohorts (Lek 2016); This variant is associated with the following publications: (PMID: 25677497)

Genome-Nilou Lab
Classification: Pathogenic for Microcephaly, normal intelligence and immunodeficiency. Last evaluated: 2021-11-07. Review status: criteria provided, single submitter. Criteria: ACMG Guidelines, 2015. Collection method: clinical testing. Allele origin: germline. Affected: no.

Blueprint Genetics
Classification: Likely pathogenic for NBN-related disorders. Last evaluated: 2021-10-20. Review status: criteria provided, single submitter. Criteria: ACMG Guidelines, 2015. Collection method: clinical testing. Allele origin: germline. Affected: yes. Observed: 1 variant allele.

Revvity Omics, Revvity
Classification: Pathogenic. Last evaluated: 2019-02-05. Review status: criteria provided, single submitter. Criteria: ACMG Guidelines, 2015. Collection method: clinical testing. Allele origin: germline.

Fulgent Genetics
Classification: Pathogenic for Microcephaly, normal intelligence and immunodeficiency; Aplastic anemia; Acute lymphoid leukemia. Last evaluated: 2018-10-31. Review status: criteria provided, single submitter. Criteria: ACMG Guidelines, 2015. Collection method: clinical testing. Allele origin: unknown.

Counsyl
Classification: Likely pathogenic for Microcephaly, normal intelligence and immunodeficiency. Last evaluated: 2016-05-19. Review status: no assertion criteria provided. Collection method: clinical testing. Allele origin: unknown. Not counted in ClinVar's aggregate classification.

Innovations Lab, Hyderabad, Tata Consultancy Services Ltd
Classification: Pathogenic for Microcephaly, normal intelligence and immunodeficiency. Review status: no assertion criteria provided. Collection method: research. Allele origin: maternal. Inheritance: Autosomal recessive inheritance. Affected: no. Not counted in ClinVar's aggregate classification.
Comment: Genomic analysis revealed deleterious variants in the NBN gene. Confirmatory testing included Sanger sequencing and immunoblotting and radiosensitivity testing of patient lymphocytes.

Literature cited by the submitters: PubMed 9590180 (cited by Labcorp Genetics (formerly Invitae), Labcorp); PubMed 16415040 (cited by Labcorp Genetics (formerly Invitae), Labcorp); PubMed 25677497 (cited by 6 submitters).